The following is an entry in ClinVar:

NM_024426.6(WT1):c.53C>T (p.Ala18Val)

Genes: WT1 (WT1 transcription factor; minus strand), LOC107982234 (WT1/WT1-AS bi-directional promoter region; plus strand). Cytogenetic location: 11p13.
Variant type: single nucleotide variant.
Coding change: c.53C>T on transcript NM_024426.6 (MANE Select); coding-DNA position 53, C replaced by T.
Protein change: p.Ala18Val; replaces alanine 18 with valine.
Molecular consequence: missense variant. On other transcripts: non-coding transcript variant (1).
Genome position (GRCh38, 1-based): chr11:32,435,308, G>A on the plus strand (C>T on the coding strand, the complement: WT1 is on the minus strand). VCF-style: chr11-32435308-G-A. GRCh37 (hg19) VCF-style: chr11-32456854-G-A.
Other names: c.53C>T, p.Ala18Val (NM_000378.6, NM_024424.5); c.38C>T (NM_024426.4); short protein forms A18V.
Identifiers: ClinVar variation 1422742 (VCV001422742.8), dbSNP rs1853481284, ClinGen allele CA379966484.

ClinVar aggregate classification (germline): Uncertain significance. Review status: criteria provided, multiple submitters, no conflicts (2 of 4 stars). 2 submissions from 2 submitters: Uncertain significance (2). Last evaluated 2025-06-02.

Conditions:
Frasier syndrome. Identifiers: Orphanet 347, MedGen C0950122, MeSH D052159, MONDO:0007635, OMIM 136680.
Drash syndrome (DDS). Also called: NEPHROPATHY, WILMS TUMOR, AND GENITAL ANOMALIES; WILMS TUMOR AND PSEUDO- OR TRUE HERMAPHRODITISM. Identifiers: Orphanet 220, MedGen C0950121, MONDO:0008682, OMIM 194080.
Wilms tumor 1 (WT1). Also called: Wilms tumor, somatic. Identifiers: Orphanet 654, MedGen CN033288, MONDO:0008679, OMIM 194070.
11p partial monosomy syndrome (WAGR). Also called: WAGR Complex; CHROMOSOME 11p13 DELETION SYNDROME; WAGR Spectrum Disorder; WAGR syndrome. Identifiers: Orphanet 893, MedGen C0206115, MONDO:0008681, OMIM 194072.
Inborn genetic diseases. Identifiers: MedGen C0950123, MeSH D030342.

Allele frequency attached by ClinVar (database versions not stated): gnomAD 0.00001.
gnomAD v4.1: 1 of 1,533,018 alleles (0.000065%); highest among the groups gnomAD compares: African/African-American, 0.0014%; no homozygotes.

Submissions (2):

Ambry Genetics
Classification: Uncertain significance for Inborn genetic diseases. Last evaluated: 2025-06-02. Review status: criteria provided, single submitter. Criteria: Ambry Variant Classification Scheme 2023. Collection method: clinical testing. Allele origin: germline.
Comment: The p.A13V variant (also known as c.38C>T), located in coding exon 1 of the WT1 gene, results from a C to T substitution at nucleotide position 38. The alanine at codon 13 is replaced by valine, an amino acid with similar properties. This amino acid position is conserved. In addition, this alteration is predicted to be tolerated by in silico analysis. Based on the available evidence, the clinical significance of this variant remains unclear.

Labcorp Genetics (formerly Invitae), Labcorp
Classification: Uncertain significance for Wilms tumor 1; Drash syndrome; 11p partial monosomy syndrome; Frasier syndrome. Last evaluated: 2024-12-26. Review status: criteria provided, single submitter. Criteria: Invitae Variant Classification Sherloc (09022015). Collection method: clinical testing. Allele origin: germline.
Comment: This sequence change replaces alanine, which is neutral and non-polar, with valine, which is neutral and non-polar, at codon 13 of the WT1 protein (p.Ala13Val). This variant is not present in population databases (gnomAD no frequency). This variant has not been reported in the literature in individuals affected with WT1-related conditions. ClinVar contains an entry for this variant (Variation ID: 1422742). Invitae Evidence Modeling of protein sequence and biophysical properties (such as structural, functional, and spatial information, amino acid conservation, physicochemical variation, residue mobility, and thermodynamic stability) has been performed for this missense variant. However, the output from this modeling did not meet the statistical confidence thresholds required to predict the impact of this variant on WT1 protein function. In summary, the available evidence is currently insufficient to determine the role of this variant in disease. Therefore, it has been classified as a Variant of Uncertain Significance.